The following is an entry in ClinVar:

NM_031844.3(HNRNPU):c.2051A>T (p.Asn684Ile)

Gene: HNRNPU (heterogeneous nuclear ribonucleoprotein U; minus strand). Cytogenetic location: 1q44.
Variant type: single nucleotide variant.
Coding change: c.2051A>T on transcript NM_031844.3 (MANE Select); coding-DNA position 2051, A replaced by T.
Protein change: p.Asn684Ile; replaces asparagine 684 with isoleucine.
Molecular consequence: missense variant.
Genome position (GRCh38, 1-based): chr1:244,856,020, T>A on the plus strand (A>T on the coding strand, the complement: HNRNPU is on the minus strand). VCF-style: chr1-244856020-T-A. GRCh37 (hg19) VCF-style: chr1-245019322-T-A.
Other names: c.1994A>T, p.Asn665Ile (NM_004501.3); short protein forms N665I, N684I.
Identifiers: ClinVar variation 2087396 (VCV002087396.4), dbSNP rs2527504159, ClinGen allele CA345488097.

ClinVar aggregate classification (germline): Uncertain significance (1 of 4 stars; one submission).

Conditions:
Developmental and epileptic encephalopathy, 54. Also called: Epileptic encephalopathy, early infantile, 54; HNRNPU-Related Neurodevelopmental Disorder. Identifiers: MedGen C4479319, MONDO:0033363, OMIM 617391.

Submission:

Labcorp Genetics (formerly Invitae), Labcorp
Classification: Uncertain significance for Developmental and epileptic encephalopathy, 54. Last evaluated: 2022-08-23. Review status: criteria provided, single submitter. Criteria: Invitae Variant Classification Sherloc (09022015). Collection method: clinical testing. Allele origin: germline.
Comment: This sequence change replaces asparagine, which is neutral and polar, with isoleucine, which is neutral and non-polar, at codon 684 of the HNRNPU protein (p.Asn684Ile). This variant is not present in population databases (gnomAD no frequency). In summary, the available evidence is currently insufficient to determine the role of this variant in disease. Therefore, it has been classified as a Variant of Uncertain Significance. Algorithms developed to predict the effect of missense changes on protein structure and function are either unavailable or do not agree on the potential impact of this missense change (SIFT: "Deleterious"; PolyPhen-2: "Not Available"; Align-GVGD: "Class C15"). This variant has not been reported in the literature in individuals affected with HNRNPU-related conditions.